The following is an entry in ClinVar:

ClinVar aggregate classification (germline): Uncertain significance (1 of 4 stars; one submission).

Submission:

Labcorp Genetics (formerly Invitae), Labcorp
Classification: Uncertain significance. Last evaluated: 2022-02-24. Review status: criteria provided, single submitter. Criteria: Invitae Variant Classification Sherloc (09022015). Collection method: clinical testing. Allele origin: germline.
Comment: In summary, the available evidence is currently insufficient to determine the role of this variant in disease. Therefore, it has been classified as a Variant of Uncertain Significance. Algorithms developed to predict the effect of missense changes on protein structure and function are either unavailable or do not agree on the potential impact of this missense change (SIFT: "Deleterious"; PolyPhen-2: "Benign"; Align-GVGD: "Class C0"). This variant has not been reported in the literature in individuals affected with POLE-related conditions. This variant is not present in population databases (gnomAD no frequency). This sequence change replaces methionine, which is neutral and non-polar, with leucine, which is neutral and non-polar, at codon 383 of the POLE protein (p.Met383Leu).

NM_006231.4(POLE):c.1147A>T (p.Met383Leu)

Gene: POLE (DNA polymerase epsilon, catalytic subunit; minus strand). Cytogenetic location: 12q24.33.
Variant type: single nucleotide variant.
Coding change: c.1147A>T on transcript NM_006231.4 (MANE Select); coding-DNA position 1147, A replaced by T.
Protein change: p.Met383Leu; replaces methionine 383 with leucine.
Molecular consequence: missense variant.
Genome position (GRCh38, 1-based): chr12:132,675,477, T>A on the plus strand (A>T on the coding strand, the complement: POLE is on the minus strand). VCF-style: chr12-132675477-T-A. GRCh37 (hg19) VCF-style: chr12-133252063-T-A.
Other names: short protein forms M383L.
Identifiers: ClinVar variation 2102816 (VCV002102816.4), dbSNP rs879254238, ClinGen allele CA387361041.